The following is an entry in ClinVar:

NM_199355.4(ADAMTS18):c.1813T>A (p.Cys605Ser)

Gene: ADAMTS18 (ADAM metallopeptidase with thrombospondin type 1 motif 18; minus strand). Cytogenetic location: 16q23.1.
Variant type: single nucleotide variant.
Coding change: c.1813T>A on transcript NM_199355.4 (MANE Select); coding-DNA position 1813, T replaced by A.
Protein change: p.Cys605Ser; replaces cysteine 605 with serine.
Molecular consequence: missense variant.
Genome position (GRCh38, 1-based): chr16:77,335,802, A>T on the plus strand (T>A on the coding strand, the complement: ADAMTS18 is on the minus strand). VCF-style: chr16-77335802-A-T. GRCh37 (hg19) VCF-style: chr16-77369699-A-T.
Other names: c.1297T>A, p.Cys433Ser (NM_001326358.2); short protein forms C433S, C605S.
Identifiers: ClinVar variation 1378927 (VCV001378927.8), dbSNP rs762053977, ClinGen allele CA284408972.

ClinVar aggregate classification (germline): Uncertain significance (1 of 4 stars; one submission).

Allele frequency attached by ClinVar (database versions not stated): TOPMed below 0.00001.

Submission:

Labcorp Genetics (formerly Invitae), Labcorp
Classification: Uncertain significance. Last evaluated: 2025-09-02. Review status: criteria provided, single submitter. Criteria: Invitae Variant Classification Sherloc (09022015). Collection method: clinical testing. Allele origin: germline.
Comment: This sequence change replaces cysteine, which is neutral and slightly polar, with serine, which is neutral and polar, at codon 605 of the ADAMTS18 protein (p.Cys605Ser). This variant is not present in population databases (gnomAD no frequency). This variant has not been reported in the literature in individuals affected with ADAMTS18-related conditions. ClinVar contains an entry for this variant (Variation ID: 1378927). An algorithm developed to predict the effect of missense changes on protein structure and function (PolyPhen-2) suggests that this variant is likely to be disruptive. In summary, the available evidence is currently insufficient to determine the role of this variant in disease. Therefore, it has been classified as a Variant of Uncertain Significance.